The following is an entry in ClinVar:

ClinVar aggregate classification (germline): Conflicting classifications of pathogenicity. Review status: criteria provided, conflicting classifications (1 of 4 stars). 3 submissions from 3 submitters: Uncertain significance (1); Likely benign (2). Last evaluated 2026-06-01.

Conditions:
Isolated microphthalmia 3 (MCOPS16). Also called: MICROPHTHALMIA, SYNDROMIC 16. Identifiers: Orphanet 2542, MedGen C5774181, MONDO:0012604, OMIM 611038.

Allele frequency attached by ClinVar (database versions not stated): 1000 Genomes Project 30x 0.00016; gnomAD exomes 0.00018; gnomAD 0.00020; ExAC 0.00024; TOPMed 0.00024.
gnomAD v4.1: 700 of 1,494,934 alleles (0.047%); highest among the groups gnomAD compares: Non-Finnish European, 0.059%; no homozygotes.

Submissions (3):

CeGaT Center for Human Genetics Tuebingen
Classification: Likely benign. Last evaluated: 2026-06-01. Review status: criteria provided, single submitter. Criteria: CeGaT Center For Human Genetics Tuebingen Variant Classification Criteria Version 2. Collection method: clinical testing. Allele origin: germline. Affected: yes. Observed: 1 variant allele.
Comment: RAX: BP4, BP7

Labcorp Genetics (formerly Invitae), Labcorp
Classification: Likely benign for Isolated microphthalmia 3. Last evaluated: 2023-12-30. Review status: criteria provided, single submitter. Criteria: Invitae Variant Classification Sherloc (09022015). Collection method: clinical testing. Allele origin: germline.

Illumina Laboratory Services, Illumina
Classification: Uncertain significance for Isolated microphthalmia 3. Last evaluated: 2018-01-13. Review status: criteria provided, single submitter. Criteria: ICSL Variant Classification Criteria 13 December 2019. Collection method: clinical testing. Allele origin: germline.

NM_013435.3(RAX):c.783G>C (p.Pro261=)

Genes: RAX (retina and anterior neural fold homeobox; minus strand), LOC130062601 (ATAC-STARR-seq lymphoblastoid silent region 9492; plus strand). Cytogenetic location: 18q21.32.
Variant type: single nucleotide variant.
Coding change: c.783G>C on transcript NM_013435.3 (MANE Select); coding-DNA position 783, G replaced by C.
Protein change: p.Pro261=; no amino-acid change (proline 261 retained).
Molecular consequence: synonymous variant.
Genome position (GRCh38, 1-based): chr18:59,269,262, C>G on the plus strand (G>C on the coding strand, the complement: RAX is on the minus strand). VCF-style: chr18-59269262-C-G. GRCh37 (hg19) VCF-style: chr18-56936494-C-G.
Identifiers: ClinVar variation 772773 (VCV000772773.12), dbSNP rs766154387, ClinGen allele CA8979270.